The following is an entry in ClinVar:

NM_000093.5(COL5A1):c.2155C>T (p.Pro719Ser)

Gene: COL5A1 (collagen type V alpha 1 chain; plus strand). Cytogenetic location: 9q34.3.
Variant type: single nucleotide variant.
Coding change: c.2155C>T on transcript NM_000093.5 (MANE Select); coding-DNA position 2155, C replaced by T.
Protein change: p.Pro719Ser; replaces proline 719 with serine.
Molecular consequence: missense variant.
Genome position (GRCh38, 1-based): chr9:134,767,021, C>T. VCF-style: chr9-134767021-C-T. GRCh37 (hg19) VCF-style: chr9-137658867-C-T.
Other names: c.2155C>T, p.Pro719Ser (NM_001278074.1); short protein forms P719S.
Identifiers: ClinVar variation 575713 (VCV000575713.14), dbSNP rs1564446104, ClinGen allele CA375448170.

ClinVar aggregate classification (germline): Uncertain significance (1 of 4 stars; one submission).

Conditions:
Ehlers-Danlos syndrome, classic type, 1 (EDSCL1). Also called: Ehlers-Danlos Syndrome, Classic Type, COL5A1-Related; EDS I; Ehlers-Danlos syndrome, type 1; EHLERS-DANLOS SYNDROME, GRAVIS TYPE; EHLERS-DANLOS SYNDROME, SEVERE CLASSIC TYPE. Identifiers: MedGen C0268335, MONDO:0019567, OMIM 130000.

Allele frequency attached by ClinVar (database versions not stated): gnomAD exomes below 0.00001.
gnomAD v4.1: 1 of 1,613,686 alleles (0.000062%); highest among the groups gnomAD compares: Non-Finnish European, 0.000085%; no homozygotes.

Submission:

Labcorp Genetics (formerly Invitae), Labcorp
Classification: Uncertain significance for Ehlers-Danlos syndrome, classic type, 1. Last evaluated: 2025-07-16. Review status: criteria provided, single submitter. Criteria: Invitae Variant Classification Sherloc (09022015). Collection method: clinical testing. Allele origin: germline.
Comment: This sequence change replaces proline, which is neutral and non-polar, with serine, which is neutral and polar, at codon 719 of the COL5A1 protein (p.Pro719Ser). This variant is not present in population databases (gnomAD no frequency). This missense change has been observed in individual(s) with clinical features of COL5A1-related conditions (internal data). It has also been observed to segregate with disease in related individuals. ClinVar contains an entry for this variant (Variation ID: 575713). Invitae Evidence Modeling of protein sequence and biophysical properties (such as structural, functional, and spatial information, amino acid conservation, physicochemical variation, residue mobility, and thermodynamic stability) indicates that this missense variant is not expected to disrupt COL5A1 protein function with a negative predictive value of 95%. In summary, the available evidence is currently insufficient to determine the role of this variant in disease. Therefore, it has been classified as a Variant of Uncertain Significance.